The following is an entry in ClinVar:

ClinVar aggregate classification (germline): Uncertain significance (1 of 4 stars; one submission).

Conditions:
Primary ciliary dyskinesia. Also called: Ciliary dyskinesia. Identifiers: Orphanet 244, MedGen C0008780, MONDO:0016575, HP:0012265.

Submission:

Labcorp Genetics (formerly Invitae), Labcorp
Classification: Uncertain significance for Primary ciliary dyskinesia. Last evaluated: 2024-12-09. Review status: criteria provided, single submitter. Criteria: Invitae Variant Classification Sherloc (09022015). Collection method: clinical testing. Allele origin: germline.
Comment: This variant, c.2939_2940ins141, results in the insertion of 47 amino acid(s) of the RPGR (ORF15) protein (p.Glu983_Glu984ins47), but otherwise preserves the integrity of the reading frame. This variant is not present in population databases (gnomAD no frequency). This variant has been observed in individual(s) with clinical features of retinitis pigmentosa (internal data). Experimental studies and prediction algorithms are not available or were not evaluated, and the functional significance of this variant is currently unknown. In summary, the available evidence is currently insufficient to determine the role of this variant in disease. Therefore, it has been classified as a Variant of Uncertain Significance.

NM_001034853.2(RPGR):c.2939_2940insAGGGGAGGAAGGAGAAGGGGAGGGGGAAGAGGAGGAAGGAGAAGGGGAGGGGGAAGAGGAGGAAGGAGAAGGGGAGGGGGAAGAGGAAGGAGAAGGGGAAGGGGAGGAAGGAGAAGGGGAAGGGGAGGAAGGAGAAGGGGA (p.Glu983_Glu984insGlyGluGlyGluGlyGluGluGluGluGlyGluGlyGluGlyGluGluGluGluGlyGluGlyGluGlyGluGluGluGlyGluGlyGluGlyGluGluGlyGluGlyGluGlyGluGluGlyGluGlyGluGlyGluGlu)

Gene: RPGR (retinitis pigmentosa GTPase regulator; minus strand). Cytogenetic location: Xp11.4.
Variant type: Microsatellite.
Coding change: c.2939_2940insAGGGGAGGAAGGAGAAGGGGAGGGGGAAGAGGAGGAAGGAGAAGGGGAGGGGGAAGAGGAGGAAGGAGAAGGGGAGGGGGAAGAGGAAGGAGAAGGGGAAGGGGAGGAAGGAGAAGGGGAAGGGGAGGAAGGAGAAGGGGA on transcript NM_001034853.2 (MANE Select); coding-DNA positions 2939 to 2940, AGGGGAGGAAGGAGAAGGGGAGGGGGAAGAGGAGGAAGGAGAAGGGGAGGGGGAAGAGGAGGAAGGAGAAGGGGAGGGGGAAGAGGAAGGAGAAGGGGAAGGGGAGGAAGGAGAAGGGGAAGGGGAGGAAGGAGAAGGGGA inserted.
Protein change: p.Glu983_Glu984insGlyGluGlyGluGlyGluGluGluGluGlyGluGlyGluGlyGluGluGluGluGlyGluGlyGluGlyGluGluGluGlyGluGlyGluGlyGluGluGlyGluGlyGluGlyGluGluGlyGluGlyGluGlyGluGlu.
Molecular consequence: inframe insertion. On other transcripts: intron variant (8).
Genome position: GRCh38: chrX:38,286,060-38,286,097. GRCh37 (hg19): chrX:38,145,313-38,145,350.
Other names: c.1569+4899_1569+4900insGAGGAAGGAGAAGGGGAAGGGGAGGAAGGAGAAGGGGAAGGGGAGGAAGGAGAAGGGGAGGGGGAAGAGGAGGAAGGAGAAGGGGAGGGGGAAGAGGAGGAAGGAGAAGGGGAGGGGGAAGAGGAAGGAGAAGGGGAAGGG (NM_001367249.1, NM_001367250.1); c.1902+1034_1902+1035insGAGGAAGGAGAAGGGGAAGGGGAGGAAGGAGAAGGGGAAGGGGAGGAAGGAGAAGGGGAGGGGGAAGAGGAGGAAGGAGAAGGGGAGGGGGAAGAGGAGGAAGGAGAAGGGGAGGGGGAAGAGGAAGGAGAAGGGGAAGGG (NM_001367245.1); c.1386+4899_1386+4900insGAGGAAGGAGAAGGGGAAGGGGAGGAAGGAGAAGGGGAAGGGGAGGAAGGAGAAGGGGAGGGGGAAGAGGAGGAAGGAGAAGGGGAGGGGGAAGAGGAGGAAGGAGAAGGGGAGGGGGAAGAGGAAGGAGAAGGGGAAGGG (NM_001367251.1); c.1719+1034_1719+1035insGAGGAAGGAGAAGGGGAAGGGGAGGAAGGAGAAGGGGAAGGGGAGGAAGGAGAAGGGGAGGGGGAAGAGGAGGAAGGAGAAGGGGAGGGGGAAGAGGAGGAAGGAGAAGGGGAGGGGGAAGAGGAAGGAGAAGGGGAAGGG (NM_001367246.1); c.1572+4899_1572+4900insGAGGAAGGAGAAGGGGAAGGGGAGGAAGGAGAAGGGGAAGGGGAGGAAGGAGAAGGGGAGGGGGAAGAGGAGGAAGGAGAAGGGGAGGGGGAAGAGGAGGAAGGAGAAGGGGAGGGGGAAGAGGAAGGAGAAGGGGAAGGG (NM_001367247.1); c.1905+1034_1905+1035insGAGGAAGGAGAAGGGGAAGGGGAGGAAGGAGAAGGGGAAGGGGAGGAAGGAGAAGGGGAGGGGGAAGAGGAGGAAGGAGAAGGGGAGGGGGAAGAGGAGGAAGGAGAAGGGGAGGGGGAAGAGGAAGGAGAAGGGGAAGGG (NM_000328.3); c.1602+4899_1602+4900insGAGGAAGGAGAAGGGGAAGGGGAGGAAGGAGAAGGGGAAGGGGAGGAAGGAGAAGGGGAGGGGGAAGAGGAGGAAGGAGAAGGGGAGGGGGAAGAGGAGGAAGGAGAAGGGGAGGGGGAAGAGGAAGGAGAAGGGGAAGGG (NM_001367248.1).
Identifiers: ClinVar variation 2121719 (VCV002121719.3).